The following is an entry in ClinVar:

ClinVar aggregate classification (germline): Uncertain significance. Review status: criteria provided, multiple submitters, no conflicts (2 of 4 stars). 2 submissions from 2 submitters: Uncertain significance (2). Last evaluated 2022-12-23.

Conditions:
Primary ciliary dyskinesia. Also called: Ciliary dyskinesia. Identifiers: Orphanet 244, MedGen C0008780, MONDO:0016575, HP:0012265.

Allele frequency attached by ClinVar (database versions not stated): ExAC 0.00001; gnomAD 0.00003; TOPMed 0.00001.
gnomAD v4.1: 21 of 1,608,650 alleles (0.0013%); highest among the groups gnomAD compares: Admixed American, 0.0034%; no homozygotes.

Submissions (2):

Ambry Genetics
Classification: Uncertain significance for Primary ciliary dyskinesia. Last evaluated: 2022-12-23. Review status: criteria provided, single submitter. Criteria: Ambry Variant Classification Scheme 2023. Collection method: clinical testing. Allele origin: germline.
Comment: The c.2406+5C>T intronic variant results from a C to T substitution 5 nucleotides after coding exon 17 in the CCDC39 gene. This nucleotide position is poorly conserved in available vertebrate species. In silico splice site analysis predicts that this alteration will not have any significant effect on splicing. Since supporting evidence is limited at this time, the clinical significance of this alteration remains unclear.

Labcorp Genetics (formerly Invitae), Labcorp
Classification: Uncertain significance for Primary ciliary dyskinesia. Last evaluated: 2022-08-03. Review status: criteria provided, single submitter. Criteria: Invitae Variant Classification Sherloc (09022015). Collection method: clinical testing. Allele origin: germline.
Comment: This sequence change falls in intron 17 of the CCDC39 gene. It does not directly change the encoded amino acid sequence of the CCDC39 protein. It affects a nucleotide within the consensus splice site. This variant is present in population databases (rs777030873, gnomAD 0.008%). This variant has not been reported in the literature in individuals affected with CCDC39-related conditions. Variants that disrupt the consensus splice site are a relatively common cause of aberrant splicing (PMID: 17576681, 9536098). Algorithms developed to predict the effect of sequence changes on RNA splicing suggest that this variant is not likely to affect RNA splicing. In summary, the available evidence is currently insufficient to determine the role of this variant in disease. Therefore, it has been classified as a Variant of Uncertain Significance.

Literature cited by the submitters: PubMed 17576681 (cited by Labcorp Genetics (formerly Invitae), Labcorp); PubMed 9536098 (cited by Labcorp Genetics (formerly Invitae), Labcorp).

NM_181426.2(CCDC39):c.2406+5C>T

Genes: CCDC39 (coiled-coil domain 39 molecular ruler complex subunit; minus strand), TTC14 (tetratricopeptide repeat domain 14; plus strand). Cytogenetic location: 3q26.33.
Variant type: single nucleotide variant.
Coding change: c.2406+5C>T on transcript NM_181426.2 (MANE Select); 5 bases into the intron after coding-DNA position 2406, C replaced by T.
Molecular consequence: intron variant.
Genome position (GRCh38, 1-based): chr3:180,616,821, G>A on the plus strand (C>T on the coding strand, the complement: CCDC39 is on the minus strand). VCF-style: chr3-180616821-G-A. GRCh37 (hg19) VCF-style: chr3-180334609-G-A.
Other names: c.1775-559G>A (NM_001288582.2).
Identifiers: ClinVar variation 1990587 (VCV001990587.3), dbSNP rs777030873, ClinGen allele CA2715688.